The following is an entry in ClinVar:

NM_001267550.2(TTN):c.97813C>T (p.Gln32605Ter)

Genes: TTN (titin; minus strand), TTN-AS1 (TTN antisense RNA 1; plus strand). Cytogenetic location: 2q31.2.
Variant type: single nucleotide variant.
Coding change: c.97813C>T on transcript NM_001267550.2 (MANE Select); coding-DNA position 97813, C replaced by T.
Protein change: p.Gln32605Ter; replaces glutamine 32605 with a stop codon.
Molecular consequence: nonsense.
Genome position (GRCh38, 1-based): chr2:178,540,353, G>A on the plus strand (C>T on the coding strand, the complement: TTN is on the minus strand). VCF-style: chr2-178540353-G-A. GRCh37 (hg19) VCF-style: chr2-179405080-G-A.
Other names: c.92890C>T, p.Gln30964Ter (NM_001256850.1); c.70618C>T, p.Gln23540Ter (NM_003319.4); c.90109C>T, p.Gln30037Ter (NM_133378.4); c.70993C>T, p.Gln23665Ter (NM_133432.3); c.71194C>T, p.Gln23732Ter (NM_133437.4); short protein forms Q30964*, Q23540*, Q23665*, Q30037*, Q23732*, Q32605*.
Identifiers: ClinVar variation 1523155 (VCV001523155.9), dbSNP rs1301441435, ClinGen allele CA349436374.

ClinVar aggregate classification (germline): Likely pathogenic. Review status: criteria provided, multiple submitters, no conflicts (2 of 4 stars). 2 submissions from 2 submitters: Likely pathogenic (2). Last evaluated 2026-01-30.

Conditions:
Autosomal recessive limb-girdle muscular dystrophy type 2J (LGMDR10). Also called: MUSCULAR DYSTROPHY, LIMB-GIRDLE, AUTOSOMAL RECESSIVE 10; Limb-girdle muscular dystrophy, type 2J. Identifiers: Orphanet 140922, MedGen C1837342, MONDO:0012127, OMIM 608807.
Dilated cardiomyopathy 1G (CMD1G). Identifiers: Orphanet 154, MedGen C1858763, MONDO:0011400, OMIM 604145.
Cardiovascular phenotype. Identifiers: MedGen CN230736.

Allele frequency attached by ClinVar (database versions not stated): gnomAD exomes below 0.00001.
gnomAD v4.1: 1 of 1,612,146 alleles (0.000062%); highest among the groups gnomAD compares: Admixed American, 0.0017%; no homozygotes.

Submissions (2):

Ambry Genetics
Classification: Likely pathogenic for Cardiovascular phenotype. Last evaluated: 2026-01-30. Review status: criteria provided, single submitter. Criteria: Ambry Variant Classification Scheme 2023. Collection method: clinical testing. Allele origin: germline.
Comment: The p.Q23540* variant (also known as c.70618C>T), located in coding exon 178 of the TTN gene, results from a C to T substitution at nucleotide position 70618. This changes the amino acid from a glutamine to a stop codon within coding exon 178. This exon is located in the A-band region of the N2-B isoform of the titin protein and is constitutively expressed in TTN transcripts (percent spliced in or PSI 100%). This variant was reported in individual(s) with features consistent with dilated cardiomyopathy (DCM) (Xiao L et al. Front Cardiovasc Med, 2021 Apr;8:657689). Note, this variant is also referred to as p.Q32605* (c.97813C>T) in the literature. This variant is considered to be rare based on population cohorts in the Genome Aggregation Database (gnomAD). This alteration is expected to result in loss of function by premature protein truncation or nonsense-mediated mRNA decay. While truncating variants in TTN are present in 1-3% of the general population, truncating variants in the A-band are the most common cause of dilated cardiomyopathy (DCM) (Herman DS et al. N. Engl. J. Med., 2012 Feb;366:619-28; Roberts AM et al. Sci Transl Med, 2015 Jan;7:270ra6). TTN truncating variants encoded in constitutive exons (PSI >90%) have been found to be significantly associated with DCM regardless of their position in titin (Schafer S et al. Nat. Genet., 2017 01;49:46-53). Based on the majority of available evidence to date, this variant is likely to be pathogenic.

Labcorp Genetics (formerly Invitae), Labcorp
Classification: Likely pathogenic for Dilated cardiomyopathy 1G; Autosomal recessive limb-girdle muscular dystrophy type 2J. Last evaluated: 2025-01-27. Review status: criteria provided, single submitter. Criteria: Invitae Variant Classification Sherloc (09022015). Collection method: clinical testing. Allele origin: germline.
Comment: This sequence change creates a premature translational stop signal (p.Gln32605*) in the TTN gene. While this is not anticipated to result in nonsense mediated decay, it is expected to create a truncated TTN protein. This variant is present in population databases (no rsID available, gnomAD 0.003%). This variant has not been reported in the literature in individuals affected with TTN-related conditions. ClinVar contains an entry for this variant (Variation ID: 1523155). This variant is located in the A band of TTN (PMID: 25589632). Truncating variants in this region are significantly overrepresented in patients affected with dilated cardiomyopathy (PMID: 25589632). Truncating variants in this region have also been reported in individuals affected with autosomal recessive centronuclear myopathy (PMID: 23975875). In summary, the currently available evidence indicates that the variant is pathogenic, but additional data are needed to prove that conclusively. Therefore, this variant has been classified as Likely Pathogenic.

Literature cited by the submitters: PubMed 33996946 (cited by Ambry Genetics); PubMed 25589632 (cited by Labcorp Genetics (formerly Invitae), Labcorp); PubMed 23975875 (cited by Labcorp Genetics (formerly Invitae), Labcorp).